The following is an entry in ClinVar:

NM_000260.4(MYO7A):c.2834A>C (p.Lys945Thr)

Gene: MYO7A (myosin VIIA; plus strand). Cytogenetic location: 11q13.5.
Variant type: single nucleotide variant.
Coding change: c.2834A>C on transcript NM_000260.4 (MANE Select); coding-DNA position 2834, A replaced by C.
Protein change: p.Lys945Thr; replaces lysine 945 with threonine.
Molecular consequence: missense variant.
Genome position (GRCh38, 1-based): chr11:77,181,519, A>C. VCF-style: chr11-77181519-A-C. GRCh37 (hg19) VCF-style: chr11-76892565-A-C.
Other names: c.2834A>C, p.Lys945Thr (NM_001127180.2); c.2801A>C, p.Lys934Thr (NM_001369365.1); short protein forms K934T, K945T.
Identifiers: ClinVar variation 2099584 (VCV002099584.4), dbSNP rs2497205127, ClinGen allele CA381943093.

ClinVar aggregate classification (germline): Uncertain significance (1 of 4 stars; one submission).

Submission:

Labcorp Genetics (formerly Invitae), Labcorp
Classification: Uncertain significance. Last evaluated: 2024-01-24. Review status: criteria provided, single submitter. Criteria: Invitae Variant Classification Sherloc (09022015). Collection method: clinical testing. Allele origin: germline.
Comment: This sequence change replaces lysine, which is basic and polar, with threonine, which is neutral and polar, at codon 945 of the MYO7A protein (p.Lys945Thr). This variant is not present in population databases (gnomAD no frequency). This variant has not been reported in the literature in individuals affected with MYO7A-related conditions. ClinVar contains an entry for this variant (Variation ID: 2099584). Advanced modeling of protein sequence and biophysical properties (such as structural, functional, and spatial information, amino acid conservation, physicochemical variation, residue mobility, and thermodynamic stability) performed at Invitae indicates that this missense variant is not expected to disrupt MYO7A protein function with a negative predictive value of 95%. In summary, the available evidence is currently insufficient to determine the role of this variant in disease. Therefore, it has been classified as a Variant of Uncertain Significance.